The following is an entry in ClinVar:

ClinVar aggregate classification (germline): Uncertain significance (1 of 4 stars; one submission).

Conditions:
Cardiomyopathy (CMYO). Also called: Cardiomyopathies. Identifiers: Orphanet 167848, MedGen C0878544, MONDO:0004994, HP:0001638. Inheritance: Various modes of inheritance.

Submission:

Color Diagnostics, LLC DBA Color Health
Classification: Uncertain significance for Cardiomyopathy. Last evaluated: 2025-09-11. Review status: criteria provided, single submitter. Criteria: ACMG Guidelines, 2015. Collection method: clinical testing. Allele origin: germline.
Comment: This missense variant replaces isoleucine with valine at codon 495 of the RYR2 protein. Computational prediction is inconclusive regarding the impact of this variant on protein structure and function. To our knowledge, functional studies have not been reported for this variant. This variant has not been reported in individuals affected with RYR2-related disorders in the literature. This variant has not been identified in the general population by the Genome Aggregation Database (gnomAD). The available evidence is insufficient to determine the role of this variant in disease conclusively. Therefore, this variant is classified as a Variant of Uncertain Significance.

NM_001035.3(RYR2):c.1483A>G (p.Ile495Val)

Gene: RYR2 (ryanodine receptor 2; plus strand). Cytogenetic location: 1q43.
Variant type: single nucleotide variant.
Coding change: c.1483A>G on transcript NM_001035.3 (MANE Select); coding-DNA position 1483, A replaced by G.
Protein change: p.Ile495Val; replaces isoleucine 495 with valine.
Molecular consequence: missense variant.
Genome position (GRCh38, 1-based): chr1:237,456,606, A>G. VCF-style: chr1-237456606-A-G. GRCh37 (hg19) VCF-style: chr1-237619906-A-G.
Other names: short protein forms I495V.
Identifiers: ClinVar variation 4756519 (VCV004756519.1).